The following is an entry in ClinVar:

ClinVar aggregate classification (germline): Uncertain significance (1 of 4 stars; one submission).

Conditions:
VPS13B-related disorder. Also called: VPS13B-related condition.

Submission:

PreventionGenetics, part of Exact Sciences
Classification: Uncertain significance for VPS13B-related condition. Last evaluated: 2026-03-30. Review status: criteria provided, single submitter. Criteria: ACMG Guidelines, 2015. Collection method: clinical testing. Allele origin: germline.
Comment: The VPS13B c.8455A>G variant is predicted to result in the amino acid substitution p.Ser2819Gly. To our knowledge, this variant has not been reported in the literature or in a large population database (gnomAD), indicating this variant is rare. At this time, the clinical significance of this variant is uncertain due to the absence of conclusive functional and genetic evidence.

NM_152564.5(VPS13B):c.8455A>G (p.Ser2819Gly)

Gene: VPS13B (vacuolar protein sorting 13 homolog B; plus strand). Cytogenetic location: 8q22.2.
Variant type: single nucleotide variant.
Coding change: c.8455A>G on transcript NM_152564.5 (MANE Select); coding-DNA position 8455, A replaced by G.
Protein change: p.Ser2819Gly; replaces serine 2819 with glycine.
Molecular consequence: missense variant.
Genome position (GRCh38, 1-based): chr8:99,818,722, A>G. VCF-style: chr8-99818722-A-G. GRCh37 (hg19) VCF-style: chr8-100830950-A-G.
Other names: c.8530A>G, p.Ser2844Gly (NM_017890.5); short protein forms S2819G, S2844G.
Identifiers: ClinVar variation 4995322 (VCV004995322.1).